The following is an entry in ClinVar:

ClinVar aggregate classification (germline): Uncertain significance. Review status: criteria provided, multiple submitters, no conflicts (2 of 4 stars). 4 submissions from 4 submitters: Uncertain significance (3). 1 of the submissions does not count toward it. Last evaluated 2024-12-10.

Conditions:
Walker-Warburg congenital muscular dystrophy. Also called: Muscular dystrophy-dystroglycanopathy, type A; Walker-Warburg syndrome. Identifiers: Orphanet 899, MedGen C0265221, MONDO:0000171.
Autosomal recessive limb-girdle muscular dystrophy type 2I. Also called: MUSCULAR DYSTROPHY-DYSTROGLYCANOPATHY, LIMB-GIRDLE, FRKP-RELATED; MUSCULAR DYSTROPHY, LIMB-GIRDLE, TYPE 2I; MUSCULAR DYSTROPHY-DYSTROGLYCANOPATHY (LIMB-GIRDLE), TYPE C, 5. Identifiers: Orphanet 34515, MedGen C1846672, MONDO:0011787, OMIM 607155.
Cardiovascular phenotype. Identifiers: MedGen CN230736.

Allele frequency attached by ClinVar (database versions not stated): gnomAD exomes below 0.00001; gnomAD 0.00003 and 0.00004; TOPMed 0.00005.
gnomAD v4.1: 8 of 1,573,324 alleles (0.00051%); highest among the groups gnomAD compares: African/African-American, 0.011%; no homozygotes.

Submissions (4):

Ambry Genetics
Classification: Uncertain significance for Cardiovascular phenotype. Last evaluated: 2024-12-10. Review status: criteria provided, single submitter. Criteria: Ambry Variant Classification Scheme 2023. Collection method: clinical testing. Allele origin: germline.
Comment: The p.R190H variant (also known as c.569G>A), located in coding exon 1 of the FKRP gene, results from a G to A substitution at nucleotide position 569. The arginine at codon 190 is replaced by histidine, an amino acid with highly similar properties. This amino acid position is not well conserved in available vertebrate species. In addition, the in silico prediction for this alteration is inconclusive. Since supporting evidence is limited at this time, the clinical significance of this alteration remains unclear.

Labcorp Genetics (formerly Invitae), Labcorp
Classification: Uncertain significance for Walker-Warburg congenital muscular dystrophy. Last evaluated: 2022-05-04. Review status: criteria provided, single submitter. Criteria: Invitae Variant Classification Sherloc (09022015). Collection method: clinical testing. Allele origin: germline.
Comment: This sequence change replaces arginine, which is basic and polar, with histidine, which is basic and polar, at codon 190 of the FKRP protein (p.Arg190His). This variant is present in population databases (no rsID available, gnomAD 0.01%). This variant has not been reported in the literature in individuals affected with FKRP-related conditions. ClinVar contains an entry for this variant (Variation ID: 933974). Algorithms developed to predict the effect of missense changes on protein structure and function (SIFT, PolyPhen-2, Align-GVGD) all suggest that this variant is likely to be tolerated. In summary, the available evidence is currently insufficient to determine the role of this variant in disease. Therefore, it has been classified as a Variant of Uncertain Significance.

GeneDx
Classification: Uncertain significance. Last evaluated: 2019-03-12. Review status: criteria provided, single submitter. Criteria: GeneDx Variant Classification Process June 2021. Collection method: clinical testing. Allele origin: germline. Affected: yes.

Natera, Inc.
Classification: Uncertain significance for Limb-girdle muscular dystrophy type 2I. Last evaluated: 2020-04-07. Review status: no assertion criteria provided. Collection method: clinical testing. Allele origin: germline. Not counted in ClinVar's aggregate classification.

NM_024301.5(FKRP):c.569G>A (p.Arg190His)

Gene: FKRP (fukutin related protein; plus strand). Cytogenetic location: 19q13.32.
Variant type: single nucleotide variant.
Coding change: c.569G>A on transcript NM_024301.5 (MANE Select); coding-DNA position 569, G replaced by A.
Protein change: p.Arg190His; replaces arginine 190 with histidine.
Molecular consequence: missense variant.
Genome position (GRCh38, 1-based): chr19:46,756,019, G>A. VCF-style: chr19-46756019-G-A. GRCh37 (hg19) VCF-style: chr19-47259276-G-A.
Other names: c.569G>A, p.Arg190His (NM_001039885.3); short protein forms R190H.
Identifiers: ClinVar variation 933974 (VCV000933974.12), dbSNP rs917645867, ClinGen allele CA309099363.
Genomic context (GRCh38, chr19:46,756,019, plus strand): 5'-CCCTGAACGTCAGCCTGCGAGAGTGGACCGCCCGCTATGGCGCAGCCCCCGCCGCGCCCC[G>A]CTGCGACGCCCTGGACGGAGATGCTGTGGTGCTCCTGCGCGCCCGCGACCTCTTCAACCT-3'
Protein context (NP_077277.1, residues 180-200): ARYGAAPAAP[Arg190His]CDALDGDAVV